The following is an entry in ClinVar:

ClinVar aggregate classification (germline): Uncertain significance. Review status: criteria provided, multiple submitters, no conflicts (2 of 4 stars). 3 submissions from 3 submitters: Uncertain significance (3). Last evaluated 2026-06-08.

Conditions:
Cardiovascular phenotype. Identifiers: MedGen CN230736.

Allele frequency attached by ClinVar (database versions not stated): gnomAD exomes below 0.00001; ExAC 0.00003.
gnomAD v4.1: 5 of 1,582,768 alleles (0.00032%); highest among the groups gnomAD compares: Non-Finnish European, 0.00034%; no homozygotes.

Submissions (3):

Women's Health and Genetics/Laboratory Corporation of America, LabCorp
Classification: Uncertain significance. Last evaluated: 2026-06-08. Review status: criteria provided, single submitter. Criteria: LabCorp Variant Classification Summary - May 2015. Collection method: clinical testing. Allele origin: germline.

Ambry Genetics
Classification: Uncertain significance for Cardiovascular phenotype. Last evaluated: 2024-12-14. Review status: criteria provided, single submitter. Criteria: Ambry Variant Classification Scheme 2023. Collection method: clinical testing. Allele origin: germline.
Comment: The p.A910T variant (also known as c.2728G>A), located in coding exon 5 of the TNXB gene, results from a G to A substitution at nucleotide position 2728. The alanine at codon 910 is replaced by threonine, an amino acid with similar properties. This amino acid position is conserved. In addition, the in silico prediction for this alteration is inconclusive. Based on the available evidence, the clinical significance of this variant remains unclear.

CeGaT Center for Human Genetics Tuebingen
Classification: Uncertain significance. Last evaluated: 2022-08-01. Review status: criteria provided, single submitter. Criteria: CeGaT Center For Human Genetics Tuebingen Variant Classification Criteria Version 2. Collection method: clinical testing. Allele origin: germline. Affected: yes. Observed: 1 variant allele.
Comment: TNXB: PM2, BP1

NM_001365276.2(TNXB):c.2728G>A (p.Ala910Thr)

Gene: TNXB (tenascin XB; minus strand). Cytogenetic location: 6p21.33.
Variant type: single nucleotide variant.
Coding change: c.2728G>A on transcript NM_001365276.2 (MANE Select); coding-DNA position 2728, G replaced by A.
Protein change: p.Ala910Thr; replaces alanine 910 with threonine.
Molecular consequence: missense variant.
Genome position (GRCh38, 1-based): chr6:32,088,836, C>T on the plus strand (G>A on the coding strand, the complement: TNXB is on the minus strand). VCF-style: chr6-32088836-C-T. GRCh37 (hg19) VCF-style: chr6-32056613-C-T.
Other names: c.2728G>A, p.Ala910Thr (NM_019105.8); c.2728G>A (NM_019105.6); short protein forms A910T.
Identifiers: ClinVar variation 1711624 (VCV001711624.32), dbSNP rs771724021, ClinGen allele CA3735425.